The following is an entry in ClinVar:

NM_015001.3(SPEN):c.4558C>T (p.Gln1520Ter)

Gene: SPEN (spen family transcriptional repressor; plus strand). Cytogenetic location: 1p36.13.
Variant type: single nucleotide variant.
Coding change: c.4558C>T on transcript NM_015001.3 (MANE Select); coding-DNA position 4558, C replaced by T.
Protein change: p.Gln1520Ter; replaces glutamine 1520 with a stop codon.
Molecular consequence: nonsense.
Genome position (GRCh38, 1-based): chr1:15,930,798, C>T. VCF-style: chr1-15930798-C-T. GRCh37 (hg19) VCF-style: chr1-16257293-C-T.
Other names: short protein forms Q1520*.
Identifiers: ClinVar variation 2572607 (VCV002572607.1), dbSNP rs2523080343, ClinGen allele CA338615731.

ClinVar aggregate classification (germline): Likely pathogenic (1 of 4 stars; one submission).

Conditions:
Radio-Tartaglia syndrome. Identifiers: Orphanet 662234, MedGen C5543339, MONDO:0859143, OMIM 619312.

Submission:

Laboratory of Medical Genetics, National & Kapodistrian University of Athens
Classification: Likely pathogenic for Radio-Tartaglia syndrome. Last evaluated: 2023-05-16. Review status: criteria provided, single submitter. Criteria: ACMG Guidelines, 2015. Collection method: clinical testing. Allele origin: germline. Affected: yes.
Comment: PVS1, PM2